The following is an entry in ClinVar:

ClinVar aggregate classification (germline): Uncertain significance (1 of 4 stars; one submission).

Submission:

Labcorp Genetics (formerly Invitae), Labcorp
Classification: Uncertain significance. Last evaluated: 2025-04-21. Review status: criteria provided, single submitter. Criteria: Invitae Variant Classification Sherloc (09022015). Collection method: clinical testing. Allele origin: germline.
Comment: This sequence change replaces alanine, which is neutral and non-polar, with glycine, which is neutral and non-polar, at codon 750 of the CTNNA1 protein (p.Ala750Gly). This variant is not present in population databases (gnomAD no frequency). This variant has not been reported in the literature in individuals affected with CTNNA1-related conditions. Invitae Evidence Modeling of protein sequence and biophysical properties (such as structural, functional, and spatial information, amino acid conservation, physicochemical variation, residue mobility, and thermodynamic stability) has been performed for this missense variant. However, the output from this modeling did not meet the statistical confidence thresholds required to predict the impact of this variant on CTNNA1 protein function. In summary, the available evidence is currently insufficient to determine the role of this variant in disease. Therefore, it has been classified as a Variant of Uncertain Significance.

NM_001903.5(CTNNA1):c.2249C>G (p.Ala750Gly)

Gene: CTNNA1 (catenin alpha 1; plus strand). Cytogenetic location: 5q31.2.
Variant type: single nucleotide variant.
Coding change: c.2249C>G on transcript NM_001903.5 (MANE Select); coding-DNA position 2249, C replaced by G.
Protein change: p.Ala750Gly; replaces alanine 750 with glycine.
Molecular consequence: missense variant.
Genome position (GRCh38, 1-based): chr5:138,930,886, C>G. VCF-style: chr5-138930886-C-G. GRCh37 (hg19) VCF-style: chr5-138266575-C-G.
Other names: c.2249C>G, p.Ala750Gly (NM_001290307.3, NM_001323982.2, NM_001323983.1 and 2 more transcripts); c.1940C>G, p.Ala647Gly (NM_001290309.3); c.1880C>G, p.Ala627Gly (NM_001290310.3); c.1139C>G, p.Ala380Gly (NM_001290312.1, NM_001323987.1, NM_001323988.1 and 17 more transcripts); c.2156C>G, p.Ala719Gly (NM_001323986.2); c.800C>G, p.Ala267Gly (NM_001324006.1, NM_001324007.1, NM_001324008.1 and 2 more transcripts); c.1046C>G, p.Ala349Gly (NM_001324011.1); c.896C>G, p.Ala299Gly (NM_001324012.1, NM_001324013.1); short protein forms A299G, A349G, A719G, A627G, A750G, A267G, A380G, A647G.
Identifiers: ClinVar variation 4745184 (VCV004745184.1).